The following is an entry in ClinVar:

NM_000038.6(APC):c.1332T>A (p.His444Gln)

Gene: APC (APC regulator of Wnt signaling pathway; plus strand). Cytogenetic location: 5q22.2.
Variant type: single nucleotide variant.
Coding change: c.1332T>A on transcript NM_000038.6 (MANE Select); coding-DNA position 1332, T replaced by A.
Protein change: p.His444Gln; replaces histidine 444 with glutamine.
Molecular consequence: missense variant.
Genome position (GRCh38, 1-based): chr5:112,821,915, T>A. VCF-style: chr5-112821915-T-A. GRCh37 (hg19) VCF-style: chr5-112157612-T-A.
Other names: c.1332T>A, p.His444Gln (NM_001127510.3, NM_001354895.2, NM_001354896.2); c.1278T>A, p.His426Gln (NM_001127511.3); c.1362T>A, p.His454Gln (NM_001354897.2); c.1257T>A, p.His419Gln (NM_001354898.2); c.1248T>A, p.His416Gln (NM_001354899.2); c.1155T>A, p.His385Gln (NM_001354900.2, NM_001354901.2); c.1059T>A, p.His353Gln (NM_001354902.2); c.1029T>A, p.His343Gln (NM_001354903.2); and 3 more; short protein forms H426Q, H444Q, H284Q, H419Q, H353Q, H385Q, H454Q, H161Q.
Identifiers: ClinVar variation 485101 (VCV000485101.16), dbSNP rs773087899, ClinGen allele CA16024222.
Genomic context (GRCh38, chr5:112,821,915, plus strand): 5'-AATAACAAAGCATTATGGTTTATGTTGATTTTATTTTTCAGTGCCAGCTCCTGTTGAACA[T>A]CAGATCTGTCCTGCTGTGTGTGTTCTAATGAAACTTTCATTTGATGAAGAGCATAGACAT-3'
Protein context (NP_000029.2, residues 434-454): DKNPMPAPVE[His444Gln]QICPAVCVLM

ClinVar aggregate classification (germline): Uncertain significance. Review status: criteria provided, multiple submitters, no conflicts (2 of 4 stars). 3 submissions from 3 submitters: Uncertain significance (3). Last evaluated 2025-05-12.

Conditions:
Familial adenomatous polyposis 1 (FAP1). Also called: FAMILIAL ADENOMATOUS POLYPOSIS 1, ATTENUATED; POLYPOSIS, ADENOMATOUS INTESTINAL. Identifiers: MedGen C2713442, MONDO:0021056, OMIM 175100. Disease mechanism: loss of function.
Hereditary cancer-predisposing syndrome. Also called: Neoplastic Syndromes, Hereditary; Tumor predisposition; Hereditary Cancer Syndrome; Hereditary neoplastic syndrome. Identifiers: Orphanet 140162, MedGen C0027672, MeSH D009386, MONDO:0015356.

gnomAD v4.1: 1 of 1,613,120 alleles (0.000062%); highest among the groups gnomAD compares: Non-Finnish European, 0.000085%; no homozygotes.

Submissions (3):

Labcorp Genetics (formerly Invitae), Labcorp
Classification: Uncertain significance for Familial adenomatous polyposis 1. Last evaluated: 2025-05-12. Review status: criteria provided, single submitter. Criteria: Invitae Variant Classification Sherloc (09022015). Collection method: clinical testing. Allele origin: germline.
Comment: This sequence change replaces histidine, which is basic and polar, with glutamine, which is neutral and polar, at codon 444 of the APC protein (p.His444Gln). This variant is not present in population databases (gnomAD no frequency). This variant has not been reported in the literature in individuals affected with APC-related conditions. ClinVar contains an entry for this variant (Variation ID: 485101). Invitae Evidence Modeling of protein sequence and biophysical properties (such as structural, functional, and spatial information, amino acid conservation, physicochemical variation, residue mobility, and thermodynamic stability) indicates that this missense variant is not expected to disrupt APC protein function with a negative predictive value of 95%. In summary, the available evidence is currently insufficient to determine the role of this variant in disease. Therefore, it has been classified as a Variant of Uncertain Significance.

Color Diagnostics, LLC DBA Color Health
Classification: Uncertain significance for Hereditary cancer-predisposing syndrome. Last evaluated: 2023-12-05. Review status: criteria provided, single submitter. Criteria: ACMG Guidelines, 2015. Collection method: clinical testing. Allele origin: germline.
Comment: This missense variant replaces histidine with glutamine at codon 444 of the APC protein. Computational prediction suggests that this variant may not impact protein structure and function (internally defined REVEL score threshold <= 0.5, PMID: 27666373). To our knowledge, functional studies have not been reported for this variant. This variant has not been reported in individuals affected with APC-related disorders in the literature. This variant has not been identified in the general population by the Genome Aggregation Database (gnomAD). The available evidence is insufficient to determine the role of this variant in disease conclusively. Therefore, this variant is classified as a Variant of Uncertain Significance.

Ambry Genetics
Classification: Uncertain significance for Hereditary cancer-predisposing syndrome. Last evaluated: 2021-11-30. Review status: criteria provided, single submitter. Criteria: Ambry Variant Classification Scheme 2023. Collection method: clinical testing. Allele origin: germline.
Comment: The p.H444Q variant (also known as c.1332T>A), located in coding exon 10 of the APC gene, results from a T to A substitution at nucleotide position 1332. The histidine at codon 444 is replaced by glutamine, an amino acid with highly similar properties. This amino acid position is highly conserved in available vertebrate species. In addition, in silico predictors for this gene do not accurately predict pathogenicity. Since supporting evidence is limited at this time, the clinical significance of this alteration remains unclear.